The following is an entry in ClinVar:

ClinVar aggregate classification (germline): Uncertain significance (1 of 4 stars; one submission).

Submission:

Labcorp Genetics (formerly Invitae), Labcorp
Classification: Uncertain significance. Last evaluated: 2022-03-04. Review status: criteria provided, single submitter. Criteria: Invitae Variant Classification Sherloc (09022015). Collection method: clinical testing. Allele origin: germline.
Comment: This sequence change falls in intron 56 of the COL7A1 gene. It does not directly change the encoded amino acid sequence of the COL7A1 protein. This variant is not present in population databases (gnomAD no frequency). This variant has not been reported in the literature in individuals affected with COL7A1-related conditions. Algorithms developed to predict the effect of sequence changes on RNA splicing suggest that this variant may disrupt the consensus splice site. In summary, the available evidence is currently insufficient to determine the role of this variant in disease. Therefore, it has been classified as a Variant of Uncertain Significance.

NM_000094.4(COL7A1):c.5125-6C>A

Gene: COL7A1 (collagen type VII alpha 1 chain; minus strand). Cytogenetic location: 3p21.31.
Variant type: single nucleotide variant.
Coding change: c.5125-6C>A on transcript NM_000094.4 (MANE Select); 6 bases into the intron before coding-DNA position 5125, C replaced by A.
Molecular consequence: intron variant.
Genome position (GRCh38, 1-based): chr3:48,579,820, G>T on the plus strand (C>A on the coding strand, the complement: COL7A1 is on the minus strand). VCF-style: chr3-48579820-G-T. GRCh37 (hg19) VCF-style: chr3-48617253-G-T.
Identifiers: ClinVar variation 1963188 (VCV001963188.5), dbSNP rs372345936, ClinGen allele CA2577588024.